The following is an entry in ClinVar:

ClinVar aggregate classification (germline): Likely benign (1 of 4 stars; one submission).

Submission:

CeGaT Center for Human Genetics Tuebingen
Classification: Likely benign. Last evaluated: 2024-10-01. Review status: criteria provided, single submitter. Criteria: CeGaT Center For Human Genetics Tuebingen Variant Classification Criteria Version 2. Collection method: clinical testing. Allele origin: germline. Affected: yes. Observed: 1 variant allele.
Comment: TRIOBP: PM4, BS2

NM_001039141.3(TRIOBP):c.1961_2032del (p.Arg654_Ala677del)

Gene: TRIOBP (TRIO and F-actin binding protein; plus strand). Cytogenetic location: 22q13.1.
Variant type: Deletion.
Coding change: c.1961_2032del on transcript NM_001039141.3 (MANE Select); coding-DNA positions 1961 to 2032, 72 bases deleted.
Protein change: p.Arg654_Ala677del.
Molecular consequence: inframe deletion.
Genome position (GRCh38, 1-based): chr22:37,724,517-37,724,588, 72 bases deleted. GRCh37 (hg19): chr22:38,120,524-38,120,595.
Identifiers: ClinVar variation 3388880 (VCV003388880.14).